The following is an entry in ClinVar:

ClinVar aggregate classification (germline): Conflicting classifications of pathogenicity. Review status: criteria provided, conflicting classifications (1 of 4 stars). 2 submissions from 2 submitters: Likely pathogenic (1); Uncertain significance (1). Last evaluated 2025-12-12.

Conditions:
Severe early-childhood-onset retinal dystrophy (STGD1). Also called: STGD; Stargardt macular dystrophy; Juvenile onset macular degeneration; Stargardt disease 1; MACULAR DYSTROPHY WITH FLECKS, TYPE 1. Identifiers: Orphanet 364055, Orphanet 827, MedGen C1855465, MeSH D000080362, MONDO:0009549, OMIM 248200.

Allele frequency attached by ClinVar (database versions not stated): gnomAD exomes 0.00001.
gnomAD v4.1: 9 of 1,613,992 alleles (0.00056%); highest among the groups gnomAD compares: East Asian, 0.0022%; no homozygotes.

Submissions (2):

Research Institute for Ophthalmology and Vision Science, Shahid Beheshti University of Medical Sciences
Classification: Likely pathogenic for Severe early-childhood-onset retinal dystrophy. Last evaluated: 2025-12-12. Review status: criteria provided, single submitter. Criteria: ACMG Guidelines, 2015. Collection method: research. Allele origin: inherited. Inheritance: Autosomal recessive inheritance. Affected: yes.
Comment: NM_000350.3(ABCA4):c.6017A>G has an extremely low frequency in gnomAD databases. It has been identified in a homozygous state in patients within a family, and therefore, it cosegregates with the disease in affected family members. ABCA4 also exhibits a low rate of benign missense mutations.

Labcorp Genetics (formerly Invitae), Labcorp
Classification: Uncertain significance. Last evaluated: 2020-09-09. Review status: criteria provided, single submitter. Criteria: Invitae Variant Classification Sherloc (09022015). Collection method: clinical testing. Allele origin: germline.
Comment: This sequence change replaces asparagine with serine at codon 2006 of the ABCA4 protein (p.Asn2006Ser). The asparagine residue is moderately conserved and there is a small physicochemical difference between asparagine and serine. In summary, the available evidence is currently insufficient to determine the role of this variant in disease. Therefore, it has been classified as a Variant of Uncertain Significance. Algorithms developed to predict the effect of sequence changes on RNA splicing suggest that this variant may create or strengthen a splice site, but this prediction has not been confirmed by published transcriptional studies. Advanced modeling of protein sequence and biophysical properties (such as structural, functional, and spatial information, amino acid conservation, physicochemical variation, residue mobility, and thermodynamic stability) performed at Invitae indicates that this missense variant is not expected to disrupt ABCA4 protein function. This variant has not been reported in the literature in individuals with ABCA4-related conditions. This variant is not present in population databases (ExAC no frequency).

NM_000350.3(ABCA4):c.6017A>G (p.Asn2006Ser)

Gene: ABCA4 (ATP binding cassette subfamily A member 4; minus strand). Cytogenetic location: 1p22.1.
Variant type: single nucleotide variant.
Coding change: c.6017A>G on transcript NM_000350.3 (MANE Select); coding-DNA position 6017, A replaced by G.
Protein change: p.Asn2006Ser; replaces asparagine 2006 with serine.
Molecular consequence: missense variant.
Genome position (GRCh38, 1-based): chr1:94,005,571, T>C on the plus strand (A>G on the coding strand, the complement: ABCA4 is on the minus strand). VCF-style: chr1-94005571-T-C. GRCh37 (hg19) VCF-style: chr1-94471127-T-C.
Other names: c.5795A>G, p.Asn1932Ser (NM_001425324.1); short protein forms N2006S, N1932S.
Identifiers: ClinVar variation 1061146 (VCV001061146.9), dbSNP rs2101000596, ClinGen allele CA341279217.